The following is an entry in ClinVar:

ClinVar aggregate classification (germline): Uncertain significance (1 of 4 stars; one submission).

Allele frequency attached by ClinVar (database versions not stated): ESP Exome Variant Server 0.00015.
gnomAD v4.1: 10 of 1,574,224 alleles (0.00064%); highest among the groups gnomAD compares: African/African-American, 0.011%; no homozygotes.

Submission:

Labcorp Genetics (formerly Invitae), Labcorp
Classification: Uncertain significance. Last evaluated: 2022-06-13. Review status: criteria provided, single submitter. Criteria: Invitae Variant Classification Sherloc (09022015). Collection method: clinical testing. Allele origin: germline.
Comment: This sequence change replaces valine, which is neutral and non-polar, with leucine, which is neutral and non-polar, at codon 1343 of the TUBGCP6 protein (p.Val1343Leu). This variant is present in population databases (rs140144242, gnomAD 0.02%). This variant has not been reported in the literature in individuals affected with TUBGCP6-related conditions. Algorithms developed to predict the effect of missense changes on protein structure and function (SIFT, PolyPhen-2, Align-GVGD) all suggest that this variant is likely to be tolerated. In summary, the available evidence is currently insufficient to determine the role of this variant in disease. Therefore, it has been classified as a Variant of Uncertain Significance.

NM_020461.4(TUBGCP6):c.4027G>C (p.Val1343Leu)

Gene: TUBGCP6 (tubulin gamma complex component 6; minus strand). Cytogenetic location: 22q13.33.
Variant type: single nucleotide variant.
Coding change: c.4027G>C on transcript NM_020461.4 (MANE Select); coding-DNA position 4027, G replaced by C.
Protein change: p.Val1343Leu; replaces valine 1343 with leucine.
Molecular consequence: missense variant.
Genome position (GRCh38, 1-based): chr22:50,220,332, C>G on the plus strand (G>C on the coding strand, the complement: TUBGCP6 is on the minus strand). VCF-style: chr22-50220332-C-G. GRCh37 (hg19) VCF-style: chr22-50658761-C-G.
Other names: short protein forms V1343L.
Identifiers: ClinVar variation 1374630 (VCV001374630.8), dbSNP rs140144242, ClinGen allele CA10307756.